The following is an entry in ClinVar:

ClinVar aggregate classification (germline): Uncertain significance (1 of 4 stars; one submission).

Conditions:
Ullrich congenital muscular dystrophy 2 (UCMD2). Identifiers: Orphanet 75840, MedGen C4225314, MONDO:0014654, OMIM 616470.
Bethlem myopathy 2 (BTHLM2). Identifiers: Orphanet 536516, Orphanet 610, MedGen C4225313, MONDO:0034022, OMIM 616471.

Submission:

Labcorp Genetics (formerly Invitae), Labcorp
Classification: Uncertain significance for Bethlem myopathy 2; Ullrich congenital muscular dystrophy 2. Last evaluated: 2022-10-14. Review status: criteria provided, single submitter. Criteria: Invitae Variant Classification Sherloc (09022015). Collection method: clinical testing. Allele origin: germline.
Comment: In summary, the available evidence is currently insufficient to determine the role of this variant in disease. Therefore, it has been classified as a Variant of Uncertain Significance. Algorithms developed to predict the effect of sequence changes on RNA splicing suggest that this variant may disrupt the consensus splice site. This variant has not been reported in the literature in individuals affected with COL12A1-related conditions. This variant is not present in population databases (gnomAD no frequency). This sequence change falls in intron 20 of the COL12A1 gene. It does not directly change the encoded amino acid sequence of the COL12A1 protein.

NM_004370.6(COL12A1):c.4001-11C>A

Gene: COL12A1 (collagen type XII alpha 1 chain; minus strand). Cytogenetic location: 6q13.
Variant type: single nucleotide variant.
Coding change: c.4001-11C>A on transcript NM_004370.6 (MANE Select); 11 bases into the intron before coding-DNA position 4001, C replaced by A.
Molecular consequence: intron variant.
Genome position (GRCh38, 1-based): chr6:75,151,298, G>T on the plus strand (C>A on the coding strand, the complement: COL12A1 is on the minus strand). VCF-style: chr6-75151298-G-T. GRCh37 (hg19) VCF-style: chr6-75861014-G-T.
Other names: c.509-11C>A (NM_080645.3).
Identifiers: ClinVar variation 2035504 (VCV002035504.4), dbSNP rs374279219, ClinGen allele CA1638962668.